The following is an entry in ClinVar:

NM_017866.6(TMEM70):c.177dup (p.Ala60fs)

Gene: TMEM70 (transmembrane protein 70; plus strand). Cytogenetic location: 8q21.11.
Variant type: Duplication.
Coding change: c.177dup on transcript NM_017866.6 (MANE Select); coding-DNA position 177, one base duplicated (C; older notation c.177dupC).
Protein change: p.Ala60fs; shifts the reading frame from alanine 60.
Molecular consequence: frameshift variant. On other transcripts: non-coding transcript variant (1).
Genome position (GRCh38, 1-based): chr8:73,976,458, C duplicated; the last of 2 consecutive C bases (chr8:73,976,457-73,976,458); duplicating either gives the same sequence. VCF-style (leftmost placement, unchanged base first): chr8-73976456-G-GC. GRCh37 (hg19) VCF-style: chr8-74888691-G-GC.
Other names: c.177dup, p.Ala60fs (NM_001040613.3); short protein forms A60fs.
Identifiers: ClinVar variation 2743770 (VCV002743770.3), dbSNP rs2536389836, ClinGen allele CA2697549968.
Genomic context (GRCh38, chr8:73,976,456, plus strand): 5'-GCGTCCTCCAGCAGCGGGCCTTCGGGGCCGGTAGCCGGCTGGAGTACGGGGCCTTCGGGA[G>GC]CCGCGCGCCTTCTCCGGCGTCCGGGTCGAGCGCAGGTAGGGCGTCCGAGGTCTGGTGTCC-3'

ClinVar aggregate classification (germline): Pathogenic (1 of 4 stars; one submission).

Conditions:
Mitochondrial complex V (ATP synthase) deficiency, nuclear type 2. Also called: ENCEPHALOCARDIOMYOPATHY, MITOCHONDRIAL, NEONATAL, DUE TO ATP SYNTHASE DEFICIENCY; Nuclear-Encoded ATPase Deficiency, TMEM70-Related; MITOCHONDRIAL COMPLEX V (ATP SYNTHASE) DEFICIENCY, TMEM70 TYPE. Identifiers: Orphanet 1194, MedGen C3279699, MONDO:0013546, OMIM 614052.

Submission:

Labcorp Genetics (formerly Invitae), Labcorp
Classification: Pathogenic for Mitochondrial complex V (ATP synthase) deficiency, nuclear type 2. Last evaluated: 2023-07-25. Review status: criteria provided, single submitter. Criteria: Invitae Variant Classification Sherloc (09022015). Collection method: clinical testing. Allele origin: germline.
Comment: This variant is not present in population databases (gnomAD no frequency). This sequence change creates a premature translational stop signal (p.Ala60Argfs*28) in the TMEM70 gene. It is expected to result in an absent or disrupted protein product. Loss-of-function variants in TMEM70 are known to be pathogenic (PMID: 18953340, 21147908). This variant has not been reported in the literature in individuals affected with TMEM70-related conditions. For these reasons, this variant has been classified as Pathogenic.

Literature cited by the submitters: PubMed 18953340; PubMed 21147908.